The following is an entry in ClinVar:

ClinVar aggregate classification (germline): Likely benign (1 of 4 stars; one submission).

Allele frequency attached by ClinVar (database versions not stated): 1000 Genomes Project 30x 0.00141; 1000 Genomes Project 0.00160; gnomAD 0.00197; TOPMed 0.00199; ExAC 0.00247; gnomAD exomes 0.00263; ESP Exome Variant Server 0.00315.
gnomAD v4.1: 4,163 of 1,613,856 alleles (0.26%); highest among the groups gnomAD compares: Middle Eastern, 0.46%; 15 homozygotes.

Submission:

CeGaT Center for Human Genetics Tuebingen
Classification: Likely benign. Last evaluated: 2024-12-01. Review status: criteria provided, single submitter. Criteria: CeGaT Center For Human Genetics Tuebingen Variant Classification Criteria Version 2. Collection method: clinical testing. Allele origin: germline. Affected: yes. Observed: 3 variant alleles.
Comment: TULP4: BP4, BS1:Supporting

NM_020245.5(TULP4):c.3643C>T (p.Pro1215Ser)

Gene: TULP4 (TUB like protein 4; plus strand). Cytogenetic location: 6q25.3.
Variant type: single nucleotide variant.
Coding change: c.3643C>T on transcript NM_020245.5 (MANE Select); coding-DNA position 3643, C replaced by T.
Protein change: p.Pro1215Ser; replaces proline 1215 with serine.
Molecular consequence: missense variant. On other transcripts: intron variant (1).
Genome position (GRCh38, 1-based): chr6:158,503,306, C>T. VCF-style: chr6-158503306-C-T. GRCh37 (hg19) VCF-style: chr6-158924338-C-T.
Other names: c.2015-3272C>T (NM_001007466.3); short protein forms P1215S.
Identifiers: ClinVar variation 2657091 (VCV002657091.24), dbSNP rs34395018, ClinGen allele CA4072642.